The following is an entry in ClinVar:

ClinVar aggregate classification (germline): Benign. Review status: criteria provided, multiple submitters, no conflicts (2 of 4 stars). 17 submissions from 12 submitters: Benign (14). 3 of the submissions do not count toward it. Last evaluated 2026-02-03.

Conditions:
Hereditary cryohydrocytosis with reduced stomatin. Also called: Stomatin-deficient cryohydrocytosis with neurologic defects; GLUT1 DEFICIENCY SYNDROME WITH PSEUDOHYPERKALEMIA AND HEMOLYSIS. Identifiers: Orphanet 168577, MedGen C1837206, MONDO:0012143, OMIM 608885.
Epilepsy, idiopathic generalized, susceptibility to, 12 (EIG12). Identifiers: MedGen C3553859, MONDO:0013919, OMIM 614847.
Dystonia 9 (DYT9). Also called: CHOREOATHETOSIS, KINESIGENIC, WITH EPISODIC ATAXIA AND SPASTICITY. Identifiers: Orphanet 53583, MedGen C1832855, MONDO:0010983, OMIM 601042.
Encephalopathy due to GLUT1 deficiency. Also called: GLUCOSE TRANSPORT DEFECT, BLOOD-BRAIN BARRIER; Glucose transporter protein syndrome; GLUT1 deficiency syndrome 1, infantile onset, severe; GLUT1 deficiency syndrome 1; Classic Glucose Transporter Type 1 Deficiency Syndrome; De Vivo disease. Identifiers: Orphanet 71277, MedGen C4551966, MONDO:0011724, OMIM 606777.
GLUT1 deficiency syndrome 1, autosomal recessive. Identifiers: MedGen C3149117.
Childhood onset GLUT1 deficiency syndrome 2. Also called: Paroxysmal exercise-induced dystonia; PAROXYSMAL EXERCISE-INDUCED DYSKINESIA WITH OR WITHOUT EPILEPSY AND/OR HEMOLYTIC ANEMIA; PAROXYSMAL EXERTION-INDUCED DYSTONIA WITH OR WITHOUT EPILEPSY AND/OR HEMOLYTIC ANEMIA; PED WITH OR WITHOUT EPILEPSY AND/OR HEMOLYTIC ANEMIA; GLUT1 deficiency syndrome 2; PxMD-SLC2A1. Identifiers: Orphanet 98811, MedGen C1842534, MONDO:0012805, OMIM 612126.

Allele frequency attached by ClinVar (database versions not stated): TOPMed 0.01895; ESP Exome Variant Server 0.02053; 1000 Genomes Project 0.02077; 1000 Genomes Project 30x 0.02327.
gnomAD v4.1: 5,396 of 1,614,084 alleles (0.33%); highest among the groups gnomAD compares: African/African-American, 6.3%; 175 homozygotes.

Submissions (17):

Labcorp Genetics (formerly Invitae), Labcorp
Classification: Benign for GLUT1 deficiency syndrome 1, autosomal recessive. Last evaluated: 2026-02-03. Review status: criteria provided, single submitter. Criteria: Invitae Variant Classification Sherloc (09022015). Collection method: clinical testing. Allele origin: germline.

Mayo Clinic Laboratories, Mayo Clinic
Classification: Benign. Last evaluated: 2024-07-20. Review status: criteria provided, single submitter. Criteria: ACMG Guidelines, 2015. Collection method: clinical testing. Allele origin: germline. Observed: 80 variant alleles.

Genome-Nilou Lab
Classification: Benign for Epilepsy, idiopathic generalized, susceptibility to, 12. Last evaluated: 2023-04-11. Review status: criteria provided, single submitter. Criteria: ACMG Guidelines, 2015. Collection method: clinical testing. Allele origin: germline. Affected: no.

Genome-Nilou Lab
Classification: Benign for Dystonia 9. Last evaluated: 2023-04-11. Review status: criteria provided, single submitter. Criteria: ACMG Guidelines, 2015. Collection method: clinical testing. Allele origin: germline. Affected: no.

Genome-Nilou Lab
Classification: Benign for Encephalopathy due to GLUT1 deficiency. Last evaluated: 2023-04-11. Review status: criteria provided, single submitter. Criteria: ACMG Guidelines, 2015. Collection method: clinical testing. Allele origin: germline. Affected: no.

Genome-Nilou Lab
Classification: Benign for Childhood onset GLUT1 deficiency syndrome 2. Last evaluated: 2023-04-11. Review status: criteria provided, single submitter. Criteria: ACMG Guidelines, 2015. Collection method: clinical testing. Allele origin: germline. Affected: no.

Genome-Nilou Lab
Classification: Benign for Hereditary cryohydrocytosis with reduced stomatin. Last evaluated: 2023-04-11. Review status: criteria provided, single submitter. Criteria: ACMG Guidelines, 2015. Collection method: clinical testing. Allele origin: germline. Affected: no.

Athena Diagnostics
Classification: Benign. Last evaluated: 2017-12-08. Review status: criteria provided, single submitter. Criteria: Athena Diagnostics Criteria. Collection method: clinical testing. Allele origin: germline.

Illumina Laboratory Services, Illumina
Classification: Benign for Encephalopathy due to GLUT1 deficiency. Last evaluated: 2017-04-27. Review status: criteria provided, single submitter. Criteria: ICSL Variant Classification Criteria 13 December 2019. Collection method: clinical testing. Allele origin: germline.
Comment: This variant was observed as part of a predisposition screen in an ostensibly healthy population. A literature search was performed for the gene, cDNA change, and amino acid change (where applicable). Publications were found based on this search. The evidence from the literature, in combination with allele frequency data from public databases where available, was sufficient to rule this variant out of causing disease. Therefore, this variant is classified as benign.

Illumina Laboratory Services, Illumina
Classification: Benign for Dystonia 9. Last evaluated: 2017-04-27. Review status: criteria provided, single submitter. Criteria: ICSL Variant Classification Criteria 13 December 2019. Collection method: clinical testing. Allele origin: germline.
Comment: This variant was observed as part of a predisposition screen in an ostensibly healthy population. A literature search was performed for the gene, cDNA change, and amino acid change (where applicable). No publications were found based on this search. Allele frequency data from public databases was too high to be consistent with this variant causing disease. Therefore, this variant is classified as benign.

GeneDx
Classification: Benign. Last evaluated: 2015-03-03. Review status: criteria provided, single submitter. Criteria: GeneDx Variant Classification Process June 2021. Collection method: clinical testing. Allele origin: germline. Affected: yes.

Genetic Services Laboratory, University of Chicago
Classification: Benign. Last evaluated: 2013-02-08. Review status: criteria provided, single submitter. Criteria: ACMG Guidelines, 2007. Collection method: clinical testing. Allele origin: germline. Inheritance: Autosomal dominant inheritance.

Eurofins Ntd Llc (ga)
Classification: Benign. Last evaluated: 2012-10-18. Review status: criteria provided, single submitter. Criteria: EGL Classification Definitions 2015. Collection method: clinical testing. Allele origin: germline. Observed: 5 variant alleles, 5 heterozygotes.

PreventionGenetics, part of Exact Sciences
Classification: Benign. Review status: criteria provided, single submitter. Criteria: ACMG Guidelines, 2015. Collection method: clinical testing. Allele origin: germline.

Clinical Genetics, Academic Medical Center
Classification: Benign. Review status: no assertion criteria provided. Collection method: clinical testing. Allele origin: germline. Affected: yes. Study: VKGL Data-share Consensus. Not counted in ClinVar's aggregate classification.

Genome Diagnostics Laboratory, University Medical Center Utrecht
Classification: Likely benign. Review status: no assertion criteria provided. Collection method: clinical testing. Allele origin: germline. Affected: yes. Study: VKGL Data-share Consensus. Not counted in ClinVar's aggregate classification.

Joint Genome Diagnostic Labs from Nijmegen and Maastricht, Radboudumc and MUMC+
Classification: Benign. Review status: no assertion criteria provided. Collection method: clinical testing. Allele origin: germline. Affected: yes. Study: VKGL Data-share Consensus. Not counted in ClinVar's aggregate classification.

Literature cited by the submitters: PubMed 10980529 (cited by Illumina Laboratory Services, Illumina).

NM_006516.4(SLC2A1):c.679+7G>C

Gene: SLC2A1 (solute carrier family 2 member 1; minus strand). Cytogenetic location: 1p34.2.
Variant type: single nucleotide variant.
Coding change: c.679+7G>C on transcript NM_006516.4 (MANE Select); 7 bases into the intron after coding-DNA position 679, G replaced by C.
Molecular consequence: intron variant.
Genome position (GRCh38, 1-based): chr1:42,929,866, C>G on the plus strand (G>C on the coding strand, the complement: SLC2A1 is on the minus strand). VCF-style: chr1-42929866-C-G. GRCh37 (hg19) VCF-style: chr1-43395537-C-G.
Other names: p.?; c.679+7G>C (NM_006516.3).
Identifiers: ClinVar variation 95416 (VCV000095416.32), dbSNP rs13306757, ClinGen allele CA019257.